The following is an entry in ClinVar:

NM_177438.3(DICER1):c.1066C>T (p.His356Tyr)

Gene: DICER1 (dicer 1, ribonuclease III; minus strand). Cytogenetic location: 14q32.13.
Variant type: single nucleotide variant.
Coding change: c.1066C>T on transcript NM_177438.3 (MANE Select); coding-DNA position 1066, C replaced by T.
Protein change: p.His356Tyr; replaces histidine 356 with tyrosine.
Molecular consequence: missense variant. On other transcripts: 5 prime UTR variant (1), non-coding transcript variant (6).
Genome position (GRCh38, 1-based): chr14:95,124,506, G>A on the plus strand (C>T on the coding strand, the complement: DICER1 is on the minus strand). VCF-style: chr14-95124506-G-A. GRCh37 (hg19) VCF-style: chr14-95590843-G-A.
Other names: c.1066C>T, p.His356Tyr (NM_001195573.1, NM_001271282.3, NM_001291628.2 and 14 more transcripts); c.784C>T, p.His262Tyr (NM_001395686.1); c.661C>T, p.His221Tyr (NM_001395687.1, NM_001395688.1, NM_001395689.1 and 3 more transcripts); c.499C>T, p.His167Tyr (NM_001395691.1); c.-503C>T (NM_001395697.1); short protein forms H167Y, H221Y, H262Y, H356Y.
Identifiers: ClinVar variation 1692076 (VCV001692076.1), dbSNP rs2140206002, ClinGen allele CA390887033.

ClinVar aggregate classification (germline): Uncertain significance (1 of 4 stars; one submission).

Conditions:
Hereditary cancer-predisposing syndrome. Also called: Hereditary Cancer Syndrome; Hereditary neoplastic syndrome; Neoplastic Syndromes, Hereditary; Tumor predisposition. Identifiers: Orphanet 140162, MedGen C0027672, MeSH D009386, MONDO:0015356.

Submission:

Sema4
Classification: Uncertain significance for Hereditary cancer-predisposing syndrome. Last evaluated: 2022-02-16. Review status: criteria provided, single submitter. Criteria: Sema4 Curation Guidelines. Collection method: curation. Allele origin: germline.
Comment: The DICER1 c.1066C>T(p.H356Y) variant has not been reported in the literature to our knowledge. This variant is not reported in the population database Genome Aggregation Database (PMID: 32461654). The variant has not been reported in ClinVar. Functional studies have not been performed, and in silico predictions of the variant's effect on protein function are inconclusive. The evidence is insufficient to meet ACMG/AMP criteria for classifying the variant as benign or pathogenic. Thus, the clinical significance of this variant is currently uncertain.